The following is an entry in ClinVar:

NM_018124.4(RFWD3):c.790C>G (p.Gln264Glu)

Gene: RFWD3 (ring finger and WD repeat domain 3; minus strand). Cytogenetic location: 16q23.1.
Variant type: single nucleotide variant.
Coding change: c.790C>G on transcript NM_018124.4 (MANE Select); coding-DNA position 790, C replaced by G.
Protein change: p.Gln264Glu; replaces glutamine 264 with glutamic acid.
Molecular consequence: missense variant. On other transcripts: 5 prime UTR variant (3), intron variant (2).
Genome position (GRCh38, 1-based): chr16:74,649,134, G>C on the plus strand (C>G on the coding strand, the complement: RFWD3 is on the minus strand). VCF-style: chr16-74649134-G-C. GRCh37 (hg19) VCF-style: chr16-74683032-G-C.
Other names: c.790C>G, p.Gln264Glu (NM_001370534.1, NM_001370535.1, NM_001370536.1); c.-219C>G (NM_001370537.1); c.-45C>G (NM_001370539.1, NM_001370540.1); c.-43+2786C>G (NM_001370543.1); c.-164-56C>G (NM_001370542.1); short protein forms Q264E.
Identifiers: ClinVar variation 4754458 (VCV004754458.1).

ClinVar aggregate classification (germline): Uncertain significance (1 of 4 stars; one submission).

gnomAD v4.1: 13 of 1,567,460 alleles (0.00083%); highest among the groups gnomAD compares: South Asian, 0.0047%; no homozygotes.

Submission:

Labcorp Genetics (formerly Invitae), Labcorp
Classification: Uncertain significance. Last evaluated: 2025-08-25. Review status: criteria provided, single submitter. Criteria: Invitae Variant Classification Sherloc (09022015). Collection method: clinical testing. Allele origin: germline.
Comment: This sequence change replaces glutamine, which is neutral and polar, with glutamic acid, which is acidic and polar, at codon 264 of the RFWD3 protein (p.Gln264Glu). This variant is present in population databases (rs771430026, gnomAD 0.004%). This variant has not been reported in the literature in individuals affected with RFWD3-related conditions. An algorithm developed to predict the effect of missense changes on protein structure and function outputs the following: PolyPhen-2: "Benign". The glutamic acid amino acid residue is found in multiple mammalian species, which suggests that this missense change does not adversely affect protein function. In summary, the available evidence is currently insufficient to determine the role of this variant in disease. Therefore, it has been classified as a Variant of Uncertain Significance.